The following is an entry in ClinVar:

ClinVar aggregate classification (germline): Likely pathogenic. Review status: criteria provided, multiple submitters, no conflicts (2 of 4 stars). 6 submissions from 6 submitters: Likely pathogenic (6). Last evaluated 2025-11-23.

Conditions:
Methylcrotonyl-CoA carboxylase deficiency. Also called: 3 Methylcrotonylglycinuria; 3-MCC Deficiency; Deficiency of methylcrotonoyl-CoA carboxylase. Identifiers: Orphanet 6, MedGen C4551505, MONDO:0018950.
3-methylcrotonyl-CoA carboxylase 1 deficiency (MCC1D). Also called: MCCD TYPE 1; METHYLCROTONYLGLYCINURIA TYPE I; MCC 1 deficiency; 3 Alpha methylcrotonylglycinuria 1. Identifiers: Orphanet 6, MedGen CN028786, MONDO:0008861, OMIM 210200.

Allele frequency attached by ClinVar (database versions not stated): gnomAD exomes 0.00003 and 0.00006; TOPMed 0.00003; gnomAD 0.00004; ExAC 0.00005.
gnomAD v4.1: 47 of 1,614,002 alleles (0.0029%); highest among the groups gnomAD compares: South Asian, 0.02%; no homozygotes.

Submissions (6):

Natera, Inc.
Classification: Likely pathogenic for 3-methylcrotonyl-CoA carboxylase 1 deficiency. Last evaluated: 2025-11-23. Review status: criteria provided, single submitter. Criteria: Natera Variant Classification Schema (03/2026). Collection method: clinical testing. Allele origin: germline.
Comment: The c.196C>T variant in MCCC1 is a missense variant predicted to cause substitution of arginine to cysteine at amino acid 66. This variant is rare in the general population with a frequency below the threshold expected for the associated phenotype(s). This variant has been observed in one or more individuals affected with the associated recessive disease, as either homozygous or compound heterozygous with a second variant (PMID: 36822454). Computational prediction algorithms indicate this variant is likely to affect gene or protein function. Given the available evidence, this variant is classified as Likely Pathogenic.

Fulgent Genetics
Classification: Likely pathogenic for 3-methylcrotonyl-CoA carboxylase 1 deficiency. Last evaluated: 2024-05-29. Review status: criteria provided, single submitter. Criteria: ACMG Guidelines, 2015. Collection method: clinical testing. Allele origin: germline.

Baylor Genetics
Classification: Likely pathogenic for 3-methylcrotonyl-CoA carboxylase 1 deficiency. Last evaluated: 2023-12-22. Review status: criteria provided, single submitter. Criteria: ACMG Guidelines, 2015. Collection method: clinical testing. Allele origin: unknown.

Labcorp Genetics (formerly Invitae), Labcorp
Classification: Likely pathogenic for 3-methylcrotonyl-CoA carboxylase 1 deficiency. Last evaluated: 2023-10-22. Review status: criteria provided, single submitter. Criteria: Invitae Variant Classification Sherloc (09022015). Collection method: clinical testing. Allele origin: germline.
Comment: This sequence change replaces arginine, which is basic and polar, with cysteine, which is neutral and slightly polar, at codon 66 of the MCCC1 protein (p.Arg66Cys). This variant is present in population databases (rs754460336, gnomAD 0.02%). This missense change has been observed in individual(s) with MCCC1-related conditions (PMID: 36822454; Invitae). In at least one individual the data is consistent with being in trans (on the opposite chromosome) from a pathogenic variant. ClinVar contains an entry for this variant (Variation ID: 542949). Advanced modeling of protein sequence and biophysical properties (such as structural, functional, and spatial information, amino acid conservation, physicochemical variation, residue mobility, and thermodynamic stability) has been performed at Invitae for this missense variant, however the output from this modeling did not meet the statistical confidence thresholds required to predict the impact of this variant on MCCC1 protein function. In summary, the currently available evidence indicates that the variant is pathogenic, but additional data are needed to prove that conclusively. Therefore, this variant has been classified as Likely Pathogenic.

Women's Health and Genetics/Laboratory Corporation of America, LabCorp
Classification: Likely pathogenic for Methylcrotonyl-CoA carboxylase deficiency. Last evaluated: 2023-03-22. Review status: criteria provided, single submitter. Criteria: LabCorp Variant Classification Summary - May 2015. Collection method: clinical testing. Allele origin: germline.
Comment: Variant summary: MCCC1 c.196C>T (p.Arg66Cys) results in a non-conservative amino acid change located in the Biotin carboxylase-like, N-terminal domain (IPR005481) of the encoded protein sequence. Five of five in-silico tools predict a damaging effect of the variant on protein function. The variant allele was found at a frequency of 6.4e-05 in 251472 control chromosomes. This frequency is not significantly higher than estimated for a pathogenic variant in MCCC1 causing Methylcrotonyl-CoA Carboxylase Deficiency (6.4e-05 vs 0.0042), allowing no conclusion about variant significance. c.196C>T has been reported in the literature in individuals affected with Methylcrotonyl-CoA Carboxylase Deficiency (Men_2023, Cheng_2023). These data indicate that the variant is likely to be associated with disease. To our knowledge, no experimental evidence demonstrating an impact on protein function has been reported. One submitter has provided a clinical-significance assessment for this variant to ClinVar after 2014 without evidence for independent evaluation, and classified the variant as likely pathogenic. Based on the evidence outlined above, the variant was classified as likely pathogenic.

Juno Genomics, Hangzhou Juno Genomics, Inc
Classification: Likely pathogenic for 3-methylcrotonyl-CoA carboxylase 1 deficiency. Review status: criteria provided, single submitter. Criteria: ACMG Guidelines, 2015. Collection method: clinical testing. Allele origin: germline.
Comment: Absent from controls (or at extremely low frequency if recessive) in Genome Aggregation Database.;Multiple lines of computational evidence support a deleterious effect on the gene or gene product.;For recessive disorders, detected in trans with a pathogenic variant.;Patient's phenotype or family history is highly specific for a disease with a single genetic etiology.

Literature cited by the submitters: PubMed 36822454 (cited by 3 submitters); PubMed 36787440 (cited by Women's Health and Genetics/Laboratory Corporation of America, LabCorp).

NM_020166.5(MCCC1):c.196C>T (p.Arg66Cys)

Gene: MCCC1 (methylcrotonyl-CoA carboxylase subunit 1; minus strand). Cytogenetic location: 3q27.1.
Variant type: single nucleotide variant.
Coding change: c.196C>T on transcript NM_020166.5 (MANE Select); coding-DNA position 196, C replaced by T.
Protein change: p.Arg66Cys; replaces arginine 66 with cysteine.
Molecular consequence: missense variant. On other transcripts: non-coding transcript variant (1), intron variant (2).
Genome position (GRCh38, 1-based): chr3:183,092,486, G>A on the plus strand (C>T on the coding strand, the complement: MCCC1 is on the minus strand). VCF-style: chr3-183092486-G-A. GRCh37 (hg19) VCF-style: chr3-182810274-G-A.
Other names: c.-55+2073C>T (NM_001363880.1); c.44+2073C>T (NM_001293273.2); short protein forms R66C.
Identifiers: ClinVar variation 542949 (VCV000542949.15), dbSNP rs754460336, ClinGen allele CA2719171.